The following is an entry in ClinVar:

ClinVar aggregate classification (germline): Uncertain significance (1 of 4 stars; one submission).

Allele frequency attached by ClinVar (database versions not stated): gnomAD exomes below 0.00001 and 0.00001; TOPMed below 0.00001; gnomAD 0.00001; ExAC 0.00002; 1000 Genomes Project 30x 0.00016; 1000 Genomes Project 0.00020.
gnomAD v4.1: 17 of 1,613,896 alleles (0.0011%); highest among the groups gnomAD compares: South Asian, 0.0099%; no homozygotes.

Submission:

Labcorp Genetics (formerly Invitae), Labcorp
Classification: Uncertain significance. Last evaluated: 2024-07-23. Review status: criteria provided, single submitter. Criteria: Invitae Variant Classification Sherloc (09022015). Collection method: clinical testing. Allele origin: germline.
Comment: This sequence change replaces isoleucine, which is neutral and non-polar, with valine, which is neutral and non-polar, at codon 357 of the CTNNB1 protein (p.Ile357Val). This variant is present in population databases (rs575671885, gnomAD 0.006%). This variant has not been reported in the literature in individuals affected with CTNNB1-related conditions. ClinVar contains an entry for this variant (Variation ID: 1401855). Advanced modeling of protein sequence and biophysical properties (such as structural, functional, and spatial information, amino acid conservation, physicochemical variation, residue mobility, and thermodynamic stability) performed at Invitae indicates that this missense variant is expected to disrupt CTNNB1 protein function with a positive predictive value of 80%. In summary, the available evidence is currently insufficient to determine the role of this variant in disease. Therefore, it has been classified as a Variant of Uncertain Significance.

NM_001904.4(CTNNB1):c.1069A>G (p.Ile357Val)

Gene: CTNNB1 (catenin beta 1; plus strand). Cytogenetic location: 3p22.1.
Variant type: single nucleotide variant.
Coding change: c.1069A>G on transcript NM_001904.4 (MANE Select); coding-DNA position 1069, A replaced by G.
Protein change: p.Ile357Val; replaces isoleucine 357 with valine.
Molecular consequence: missense variant.
Genome position (GRCh38, 1-based): chr3:41,227,340, A>G. VCF-style: chr3-41227340-A-G. GRCh37 (hg19) VCF-style: chr3-41268831-A-G.
Other names: c.1069A>G, p.Ile357Val (NM_001098209.2, NM_001098210.2); c.1048A>G, p.Ile350Val (NM_001330729.2); short protein forms I357V, I350V.
Identifiers: ClinVar variation 1401855 (VCV001401855.8), dbSNP rs575671885, ClinGen allele CA2331018.
Genomic context (GRCh38, chr3:41,227,340, plus strand): 5'-CTGTGGACCACAAGCAGAGTGCTGAAGGTGCTATCTGTCTGCTCTAGTAATAAGCCGGCT[A>G]TTGTAGAAGCTGGTAAGTATATGTATCTATTCTGAGTCTTGTGTATAGCATCTGCAGTTC-3'
Protein context (NP_001895.1, residues 347-367): LSVCSSNKPA[Ile357Val]VEAGGMQALG